The following is an entry in ClinVar:

NM_001083962.2(TCF4):c.1505del (p.Gln502fs)

Gene: TCF4 (transcription factor 4; minus strand). Cytogenetic location: 18q21.2.
Variant type: Deletion.
Coding change: c.1505del on transcript NM_001083962.2 (MANE Select); coding-DNA position 1505, one base deleted (A; older notation c.1505delA).
Protein change: p.Gln502fs; shifts the reading frame from glutamine 502.
Molecular consequence: frameshift variant.
Genome position (GRCh38, 1-based): chr18:55,232,653, T deleted on the plus strand (A on the coding strand, the reverse complement: TCF4 is on the minus strand). VCF-style (leftmost placement, unchanged base first): chr18-55232652-CT-C. GRCh37 (hg19) VCF-style: chr18-52899883-CT-C.
Other names: c.1505del, p.Gln502fs (NM_003199.3, NM_001369567.1, NM_001369568.1 and 2 more transcripts); c.1811del, p.Gln604fs (NM_001243226.3); c.1433del, p.Gln478fs (NM_001243227.2, NM_001306207.1, NM_001348217.1 and 5 more transcripts); c.1523del, p.Gln508fs (NM_001243228.2); c.1496del, p.Gln499fs (NM_001243230.2); c.1379del, p.Gln460fs (NM_001243231.2, NM_001348211.2); c.1292del, p.Gln431fs (NM_001243232.1, NM_001306208.1); c.1115del, p.Gln372fs (NM_001243233.2, NM_001330605.3, NM_001348212.2 and 1 more transcripts); and 6 more; short protein forms Q286fs, Q341fs, Q342fs, Q372fs, Q431fs, Q460fs, Q477fs, Q478fs.
Identifiers: ClinVar variation 5021110 (VCV005021110.1).

ClinVar aggregate classification (germline): Pathogenic (1 of 4 stars; one submission).

Conditions:
Pitt-Hopkins syndrome (PTHS). Also called: ENCEPHALOPATHY, SEVERE EPILEPTIC, WITH AUTONOMIC DYSFUNCTION; MENTAL RETARDATION, SYNDROMAL, WITH INTERMITTENT HYPERVENTILATION. Identifiers: Orphanet 2896, MedGen C1970431, MONDO:0012589, OMIM 610954.

Submission:

Clinical Genetics Laboratory, Skane University Hospital Lund
Classification: Pathogenic for Pitt-Hopkins syndrome. Last evaluated: 2026-09-03. Review status: criteria provided, single submitter. Criteria: ACMG Guidelines, 2015. Collection method: clinical testing. Allele origin: de novo. Affected: yes.
Comment: ACMG criteria used: PVS1, PS2, PS4_Supporting, PM2_Supporting